The following is an entry in ClinVar:

NM_015378.4(VPS13D):c.5235G>A (p.Ala1745=)

Gene: VPS13D (vacuolar protein sorting 13 homolog D; plus strand). Cytogenetic location: 1p36.22.
Variant type: single nucleotide variant.
Coding change: c.5235G>A on transcript NM_015378.4 (MANE Select); coding-DNA position 5235, G replaced by A.
Protein change: p.Ala1745=; no amino-acid change (alanine 1745 retained).
Molecular consequence: synonymous variant.
Genome position (GRCh38, 1-based): chr1:12,283,337, G>A. VCF-style: chr1-12283337-G-A. GRCh37 (hg19) VCF-style: chr1-12343394-G-A.
Other names: c.5235G>A, p.Ala1745= (NM_018156.4).
Identifiers: ClinVar variation 2064088 (VCV002064088.29), dbSNP rs149340719, ClinGen allele CA602273.

ClinVar aggregate classification (germline): Benign/Likely benign. Review status: criteria provided, multiple submitters, no conflicts (2 of 4 stars). 3 submissions from 3 submitters: Benign (1); Likely benign (2). Last evaluated 2025-10-02.

Allele frequency attached by ClinVar (database versions not stated): TOPMed 0.00013; 1000 Genomes Project 30x 0.00031; ESP Exome Variant Server 0.00031; 1000 Genomes Project 0.00040; gnomAD 0.00046; ExAC 0.00065.
gnomAD v4.1: 600 of 1,613,992 alleles (0.037%); highest among the groups gnomAD compares: Middle Eastern, 0.016%; 3 homozygotes.

Submissions (3):

Labcorp Genetics (formerly Invitae), Labcorp
Classification: Benign. Last evaluated: 2025-10-02. Review status: criteria provided, single submitter. Criteria: Invitae Variant Classification Sherloc (09022015). Collection method: clinical testing. Allele origin: germline.

Blueprint Genetics
Classification: Likely benign. Last evaluated: 2024-11-06. Review status: criteria provided, single submitter. Criteria: ACMG Guidelines, 2015. Collection method: clinical testing. Allele origin: germline.

CeGaT Center for Human Genetics Tuebingen
Classification: Likely benign. Last evaluated: 2022-08-01. Review status: criteria provided, single submitter. Criteria: CeGaT Center For Human Genetics Tuebingen Variant Classification Criteria Version 2. Collection method: clinical testing. Allele origin: germline. Affected: yes. Observed: 1 variant allele.
Comment: VPS13D: BP4, BP7